The following is an entry in ClinVar:

NM_001035.3(RYR2):c.3238G>A (p.Gly1080Ser)

Gene: RYR2 (ryanodine receptor 2; plus strand). Cytogenetic location: 1q43.
Variant type: single nucleotide variant.
Coding change: c.3238G>A on transcript NM_001035.3 (MANE Select); coding-DNA position 3238, G replaced by A.
Protein change: p.Gly1080Ser; replaces glycine 1080 with serine.
Molecular consequence: missense variant.
Genome position (GRCh38, 1-based): chr1:237,566,590, G>A. VCF-style: chr1-237566590-G-A. GRCh37 (hg19) VCF-style: chr1-237729890-G-A.
Other names: short protein forms G1080S.
Identifiers: ClinVar variation 179587 (VCV000179587.19), dbSNP rs727504969, ClinGen allele CA009148.
Genomic context (GRCh38, chr1:237,566,590, plus strand): 5'-ATCCAATGACCACCAGAAATCTCTGTCCATTTCCCAGCAGCCAGAGCCGAAGTGTGCAGC[G>A]GCACCGGGGAAAGGTTCCGAATCTTCCGTGCCGAGAAGACCTATGCAGTGAAGGCCGGAC-3'
Protein context (NP_001026.2, residues 1070-1090): DHAARAEVCS[Gly1080Ser]TGERFRIFRA

ClinVar aggregate classification (germline): Conflicting classifications of pathogenicity. Review status: criteria provided, conflicting classifications (1 of 4 stars). 6 submissions from 6 submitters: Uncertain significance (5); Likely benign (1). Last evaluated 2025-08-13.

Conditions:
Cardiovascular phenotype. Identifiers: MedGen CN230736.
Catecholaminergic polymorphic ventricular tachycardia 1. Also called: RYR2-Related Catecholaminergic Polymorphic Ventricular Tachycardia; VENTRICULAR TACHYCARDIA, STRESS-INDUCED POLYMORPHIC 1; VENTRICULAR TACHYCARDIA, CATECHOLAMINERGIC POLYMORPHIC, 1, WITH OR WITHOUT ATRIAL DYSFUNCTION AND/OR DILATED CARDIOMYOPATHY. Identifiers: Orphanet 3286, MedGen C1631597, MONDO:0011484, OMIM 604772.
Catecholaminergic polymorphic ventricular tachycardia (CVPT). Also called: Catecholamine-induced polymorphic ventricular tachycardia. Identifiers: Orphanet 3286, MedGen C5574922, MONDO:0017990.
Cardiomyopathy (CMYO). Also called: Cardiomyopathies. Identifiers: Orphanet 167848, MedGen C0878544, MONDO:0004994, HP:0001638. Inheritance: Various modes of inheritance.

Allele frequency attached by ClinVar (database versions not stated): ExAC 0.00002; TOPMed 0.00002; gnomAD 0.00001; gnomAD exomes 0.00001 and 0.00003.
gnomAD v4.1: 13 of 1,613,774 alleles (0.00081%); highest among the groups gnomAD compares: Admixed American, 0.012%; no homozygotes.

Submissions (6):

Labcorp Genetics (formerly Invitae), Labcorp
Classification: Likely benign for Catecholaminergic polymorphic ventricular tachycardia 1. Last evaluated: 2025-08-13. Review status: criteria provided, single submitter. Criteria: Invitae Variant Classification Sherloc (09022015). Collection method: clinical testing. Allele origin: germline.

GeneDx
Classification: Uncertain significance. Last evaluated: 2025-01-07. Review status: criteria provided, single submitter. Criteria: GeneDx Variant Classification Process June 2021. Collection method: clinical testing. Allele origin: germline. Affected: yes.
Comment: In silico analysis indicates that this missense variant does not alter protein structure/function; Has not been previously published as pathogenic or benign to our knowledge; Not located in one of the three hot-spot regions of the RYR2 gene, where the majority of pathogenic missense variants occur (PMID: 19926015); This variant is associated with the following publications: (PMID: 19926015)

Ambry Genetics
Classification: Uncertain significance for Cardiovascular phenotype. Last evaluated: 2024-08-23. Review status: criteria provided, single submitter. Criteria: Ambry Variant Classification Scheme 2023. Collection method: clinical testing. Allele origin: germline.
Comment: The p.G1080S variant (also known as c.3238G>A), located in coding exon 28 of the RYR2 gene, results from a G to A substitution at nucleotide position 3238. The glycine at codon 1080 is replaced by serine, an amino acid with similar properties. This variant has been reported in a whole exome sequencing cohort and a hypertrophic cardiomyopathy (HCM) cohort (Landstrom AP et al. Circ Arrhythm Electrophysiol, 2017 Apr;10:; Bonaventura J et al. J Am Heart Assoc, 2024 May;13:e033565). This amino acid position is not well conserved in available vertebrate species. In addition, the in silico prediction for this alteration is inconclusive. Based on the available evidence, the clinical significance of this variant remains unclear.

Color Diagnostics, LLC DBA Color Health
Classification: Uncertain significance for Cardiomyopathy. Last evaluated: 2024-06-25. Review status: criteria provided, single submitter. Criteria: ACMG Guidelines, 2015. Collection method: clinical testing. Allele origin: germline.
Comment: This missense variant replaces glycine with serine at codon 1080 of the RYR2 protein. Computational prediction suggests that this variant may not impact protein structure and function. To our knowledge, functional studies have not been reported for this variant. This variant has not been reported in individuals affected with RYR2-related disorders in the literature. This variant has been identified in 8/248890 chromosomes in the general population by the Genome Aggregation Database (gnomAD). The available evidence is insufficient to determine the role of this variant in disease conclusively. Therefore, this variant is classified as a Variant of Uncertain Significance.

All of Us Research Program, National Institutes of Health
Classification: Uncertain significance for Catecholaminergic polymorphic ventricular tachycardia. Last evaluated: 2023-12-01. Review status: criteria provided, single submitter. Criteria: ACMG Guidelines, 2015. Collection method: clinical testing. Allele origin: germline. Inheritance: Autosomal dominant inheritance. Observed: 4 variant alleles, 4 heterozygotes.
Comment: This missense variant replaces glycine with serine at codon 1080 of the RYR2 protein. Computational prediction suggests that this variant may not impact protein structure and function (internally defined REVEL score threshold <= 0.5, PMID: 27666373). To our knowledge, functional studies have not been reported for this variant. This variant has not been reported in individuals affected with RYR2-related disorders in the literature. This variant has been identified in 8/248890 chromosomes in the general population by the Genome Aggregation Database (gnomAD). The available evidence is insufficient to determine the role of this variant in disease conclusively. Therefore, this variant is classified as a Variant of Uncertain Significance.

This study involves interpretation of variants in research participants for the purpose of population health screening. Participant phenotype was not available at the time of variant classification. Additional details can be found in publication PMID: 35346344, PMCID: PMC8962531

Laboratory for Molecular Medicine, Mass General Brigham Personalized Medicine
Classification: Uncertain significance. Last evaluated: 2014-03-05. Review status: criteria provided, single submitter. Criteria: LMM Criteria. Collection method: clinical testing. Allele origin: germline. Observed: 1 variant allele.
Comment: Variant classified as Uncertain Significance - Favor Benign. The Gly1080Ser vari ant in RYR2 has not been reported in individuals with cardiomyopathy or in large population studies. Glycine (Gly) at position 1080 is not conserved in evolutio n, and several other mammals have a serine (Ser) at this position, suggesting th at this change can be tolerated. Although this data supports that the Gly1080Ser variant may be benign, additional studies are needed to fully assess its clinic al significance.

Literature cited by the submitters: PubMed 28404607 (cited by Ambry Genetics); PubMed 38757491 (cited by Ambry Genetics).